The following is an entry in ClinVar:

ClinVar aggregate classification (germline): Likely benign. Review status: criteria provided, single submitter (1 of 4 stars). 2 submissions from 2 submitters: Likely benign (1). 1 of the submissions does not count toward it. Last evaluated 2017-12-19.

Conditions:
DGUOK-related disorder. Also called: DGUOK-related condition.

Submissions (2):

GeneDx
Classification: Likely benign. Last evaluated: 2017-12-19. Review status: criteria provided, single submitter. Criteria: GeneDx Variant Classification (06012015). Collection method: clinical testing. Allele origin: germline. Affected: yes.
Comment: This variant is considered likely benign or benign based on one or more of the following criteria: it is a conservative change, it occurs at a poorly conserved position in the protein, it is predicted to be benign by multiple in silico algorithms, and/or has population frequency not consistent with disease.

PreventionGenetics, part of Exact Sciences
Classification: Likely benign for DGUOK-related condition. Last evaluated: 2021-03-29. Review status: no assertion criteria provided. Collection method: clinical testing. Allele origin: germline. Not counted in ClinVar's aggregate classification.
Comment: This variant is classified as likely benign based on ACMG/AMP sequence variant interpretation guidelines (Richards et al. 2015 PMID: 25741868, with internal and published modifications).

NM_080916.3(DGUOK):c.444-75TC[5]

Gene: DGUOK (deoxyguanosine kinase; plus strand). Cytogenetic location: 2p13.1.
Variant type: Microsatellite.
Coding change: c.444-75TC[5] on transcript NM_080916.3 (MANE Select); five copies in a row of the 2-base unit TC starting at c.444-75; the reference has seven copies in a row; two copies, 4 bases deleted.
Molecular consequence: intron variant.
Genome position (GRCh38, 1-based): chr2:73,950,520-73,950,523, TCTC deleted; deleting any 4 consecutive bases within chr2:73,950,510-73,950,523 gives the same sequence; the position shown is the placement nearest the transcript's 3' end. VCF-style (leftmost placement, unchanged base first): chr2-73950509-TTCTC-T. GRCh37 (hg19) VCF-style: chr2-74177636-TTCTC-T.
Other names: c.444-65_444-62delTCTC (NM_080916.1, NM_080916.2); c.153-75TC[5] (NM_001318861.2, NM_001318860.2); c.135-75TC[5] (NM_001318862.2, NM_001318863.2); c.443+3604TC[5] (NM_080918.3); c.425+3622TC[5] (NM_001318859.2).
Identifiers: ClinVar variation 513734 (VCV000513734.3), dbSNP rs140339626, ClinGen allele CA50408161.